The following is an entry in ClinVar:

ClinVar aggregate classification (germline): Pathogenic (1 of 4 stars; one submission).

Conditions:
Telangiectasia, hereditary hemorrhagic, type 2 (HHT2). Also called: Telangiectasia, hereditary hemorrhagic, type II; ACVRL1-Related Hereditary Hemorrhagic Telangiectasia. Identifiers: Orphanet 774, MedGen C1838163, MONDO:0010880, OMIM 600376. Disease mechanism: loss of function.

Submission:

NIHR Bioresource Rare Diseases, University of Cambridge
Classification: Pathogenic for Telangiectasia, hereditary hemorrhagic, type 2. Last evaluated: 2018-01-01. Review status: criteria provided, single submitter. Criteria: ACMG Guidelines, 2015. Collection method: research. Allele origin: unknown. Affected: yes. Observed: 1 variant allele.
Comment: PVS1+PM2+PP4

Literature cited by the submitters: PubMed 32573726.

NM_000020.3(ACVRL1):c.1041del (p.Asp348fs)

Gene: ACVRL1 (activin A receptor like type 1; plus strand). Cytogenetic location: 12q13.13.
Variant type: Deletion.
Coding change: c.1041del on transcript NM_000020.3 (MANE Select); coding-DNA position 1041, one base deleted (C; older notation c.1041delC).
Protein change: p.Asp348fs; shifts the reading frame from aspartic acid 348.
Molecular consequence: frameshift variant.
Genome position (GRCh38, 1-based): chr12:51,915,493, C deleted; the last of 2 consecutive C bases (chr12:51,915,492-51,915,493); deleting either gives the same sequence. VCF-style (leftmost placement, unchanged base first): chr12-51915491-GC-G. GRCh37 (hg19) VCF-style: chr12-52309275-GC-G.
Other names: c.1041del, p.Asp348fs (NM_001077401.2); short protein forms D348fs.
Identifiers: ClinVar variation 982445 (VCV000982445.1), dbSNP rs1940813766, ClinGen allele CA1139662704.